The following is an entry in ClinVar:

ClinVar aggregate classification (germline): Uncertain significance (1 of 4 stars; one submission).

Submission:

Labcorp Genetics (formerly Invitae), Labcorp
Classification: Uncertain significance. Last evaluated: 2024-08-06. Review status: criteria provided, single submitter. Criteria: Invitae Variant Classification Sherloc (09022015). Collection method: clinical testing. Allele origin: germline.
Comment: This sequence change replaces arginine, which is basic and polar, with glutamine, which is neutral and polar, at codon 429 of the NIN protein (p.Arg429Gln). The frequency data for this variant in the population databases is considered unreliable, as metrics indicate poor data quality at this position in the gnomAD database. This variant has not been reported in the literature in individuals affected with NIN-related conditions. An algorithm developed to predict the effect of missense changes on protein structure and function (PolyPhen-2) suggests that this variant is likely to be disruptive. In summary, the available evidence is currently insufficient to determine the role of this variant in disease. Therefore, it has been classified as a Variant of Uncertain Significance.

NM_020921.4(NIN):c.1286G>A (p.Arg429Gln)

Gene: NIN (ninein; minus strand). Cytogenetic location: 14q22.1.
Variant type: single nucleotide variant.
Coding change: c.1286G>A on transcript NM_020921.4 (MANE Select); coding-DNA position 1286, G replaced by A.
Protein change: p.Arg429Gln; replaces arginine 429 with glutamine.
Molecular consequence: missense variant.
Genome position (GRCh38, 1-based): chr14:50,770,536, C>T on the plus strand (G>A on the coding strand, the complement: NIN is on the minus strand). VCF-style: chr14-50770536-C-T. GRCh37 (hg19) VCF-style: chr14-51237254-C-T.
Other names: c.1286G>A, p.Arg429Gln (NM_016350.5, NM_182944.3, NM_182946.2); short protein forms R429Q.
Identifiers: ClinVar variation 3713133 (VCV003713133.2).